The following is an entry in ClinVar:

NM_000260.4(MYO7A):c.4403T>A (p.Leu1468Ter)

Gene: MYO7A (myosin VIIA; plus strand). Cytogenetic location: 11q13.5.
Variant type: single nucleotide variant.
Coding change: c.4403T>A on transcript NM_000260.4 (MANE Select); coding-DNA position 4403, T replaced by A.
Protein change: p.Leu1468Ter; replaces leucine 1468 with a stop codon.
Molecular consequence: nonsense.
Genome position (GRCh38, 1-based): chr11:77,197,560, T>A. VCF-style: chr11-77197560-T-A. GRCh37 (hg19) VCF-style: chr11-76908605-T-A.
Other names: c.4403T>A, p.Leu1468Ter (NM_001127180.2); c.4370T>A, p.Leu1457Ter (NM_001369365.1); short protein forms L1457*, L1468*.
Identifiers: ClinVar variation 3601479 (VCV003601479.1).
Genomic context (GRCh38, chr11:77,197,560, plus strand): 5'-GAACTGATGCCCAGAAGGTCAAAGAGGATGTGGTCAGTTATGCCCGCTTCAAGTGGCCCT[T>A]GCTCTTCTCCAGGTTTTATGAAGCCTACAAATTCTCAGGTACCCCGCAGCCTGCAATGCT-3'

ClinVar aggregate classification (germline): Pathogenic (1 of 4 stars; one submission).

Conditions:
Autosomal recessive nonsyndromic hearing loss 2. Also called: NEUROSENSORY NONSYNDROMIC RECESSIVE DEAFNESS 2; DEAFNESS, AUTOSOMAL RECESSIVE 2. Identifiers: Orphanet 90636, MedGen C1838701, MONDO:0010807, OMIM 600060.

Submission:

Institute of Rare Diseases, West China Hospital, Sichuan University
Classification: Pathogenic for Autosomal recessive nonsyndromic hearing loss 2. Last evaluated: 2025-01-09. Review status: criteria provided, single submitter. Criteria: ClinGen HL ACMG Specifications v1. Collection method: research. Allele origin: germline. Affected: yes.
Comment: PVS1;PM3;PM2_Supporting